The following is an entry in ClinVar:

NM_001256071.3(RNF213):c.5707G>A (p.Glu1903Lys)

Gene: RNF213 (ring finger protein 213; plus strand). Cytogenetic location: 17q25.3.
Variant type: single nucleotide variant.
Coding change: c.5707G>A on transcript NM_001256071.3 (MANE Select); coding-DNA position 5707, G replaced by A.
Protein change: p.Glu1903Lys; replaces glutamic acid 1903 with lysine.
Molecular consequence: missense variant.
Genome position (GRCh38, 1-based): chr17:80,340,074, G>A. VCF-style: chr17-80340074-G-A. GRCh37 (hg19) VCF-style: chr17-78313874-G-A.
Other names: short protein forms E1903K.
Identifiers: ClinVar variation 1438428 (VCV001438428.6), dbSNP rs754786999, ClinGen allele CA8820356.
Genomic context (GRCh38, chr17:80,340,074, plus strand): 5'-ACCCTGGGCTCCCTGGGGCACAAGGTCTACAGCCTGCTGTTCGCAGATCAGCTGAGCTAC[G>A]AGGTGGCACGCCAAGCGGAGGAGCTTTTCCACAATCTGTGCACGCAGCAGCACCGAGAAG-3'
Protein context (NP_001243000.2, residues 1893-1913): SLLFADQLSY[Glu1903Lys]VARQAEELFH

ClinVar aggregate classification (germline): Uncertain significance (1 of 4 stars; one submission).

Allele frequency attached by ClinVar (database versions not stated): gnomAD exomes 0.00004 and 0.00011; gnomAD 0.00006; TOPMed 0.00006; ExAC 0.00008.
gnomAD v4.1: 160 of 1,593,304 alleles (0.01%); highest among the groups gnomAD compares: Non-Finnish European, 0.013%; no homozygotes.

Submission:

Labcorp Genetics (formerly Invitae), Labcorp
Classification: Uncertain significance. Last evaluated: 2022-03-18. Review status: criteria provided, single submitter. Criteria: Invitae Variant Classification Sherloc (09022015). Collection method: clinical testing. Allele origin: germline.
Comment: In summary, the available evidence is currently insufficient to determine the role of this variant in disease. Therefore, it has been classified as a Variant of Uncertain Significance. Algorithms developed to predict the effect of missense changes on protein structure and function are either unavailable or do not agree on the potential impact of this missense change (SIFT: "Deleterious"; PolyPhen-2: "Possibly Damaging"; Align-GVGD: "Class C0"). This variant has not been reported in the literature in individuals affected with RNF213-related conditions. This variant is present in population databases (rs754786999, gnomAD 0.008%). This sequence change replaces glutamic acid, which is acidic and polar, with lysine, which is basic and polar, at codon 1903 of the RNF213 protein (p.Glu1903Lys).